The following is an entry in ClinVar:

NM_000179.3(MSH6):c.95G>A (p.Gly32Asp)

Gene: MSH6 (mutS homolog 6; plus strand). Cytogenetic location: 2p16.3.
Variant type: single nucleotide variant.
Coding change: c.95G>A on transcript NM_000179.3 (MANE Select); coding-DNA position 95, G replaced by A.
Protein change: p.Gly32Asp; replaces glycine 32 with aspartic acid.
Molecular consequence: missense variant. On other transcripts: 5 prime UTR variant (1).
Genome position (GRCh38, 1-based): chr2:47,783,328, G>A. VCF-style: chr2-47783328-G-A. GRCh37 (hg19) VCF-style: chr2-48010467-G-A.
Other names: c.95G>A, p.Gly32Asp (NM_001281492.2); c.-642G>A (NM_001281493.2); short protein forms G32D.
Identifiers: ClinVar variation 418608 (VCV000418608.19), dbSNP rs771426932, ClinGen allele CA073654.

ClinVar aggregate classification (germline): Conflicting classifications of pathogenicity. Review status: criteria provided, conflicting classifications (1 of 4 stars). 6 submissions from 6 submitters: Uncertain significance (4); Likely benign (2). Last evaluated 2025-10-07.

Conditions:
Hereditary nonpolyposis colorectal neoplasms. Identifiers: MedGen C0009405, MeSH D003123.
Hereditary cancer-predisposing syndrome. Also called: Hereditary neoplastic syndrome; Tumor predisposition; Neoplastic Syndromes, Hereditary; Hereditary Cancer Syndrome. Identifiers: Orphanet 140162, MedGen C0027672, MeSH D009386, MONDO:0015356.
Lynch syndrome 5 (LYNCH5). Also called: Hereditary non-polyposis colorectal cancer, type 5; Colorectal cancer, hereditary nonpolyposis, type 5. Identifiers: Orphanet 144, MedGen C1833477, MONDO:0013710, OMIM 614350. Disease mechanism: loss of function.

Allele frequency attached by ClinVar (database versions not stated): gnomAD exomes below 0.00001; ExAC 0.00001.
gnomAD v4.1: 1 of 1,609,762 alleles (0.000062%); highest among the groups gnomAD compares: Non-Finnish European, 0.000085%; no homozygotes.

Submissions (6):

Labcorp Genetics (formerly Invitae), Labcorp
Classification: Likely benign for Hereditary nonpolyposis colorectal neoplasms. Last evaluated: 2025-10-07. Review status: criteria provided, single submitter. Criteria: Invitae Variant Classification Sherloc (09022015). Collection method: clinical testing. Allele origin: germline.

Color Diagnostics, LLC DBA Color Health
Classification: Uncertain significance for Hereditary cancer-predisposing syndrome. Last evaluated: 2025-06-24. Review status: criteria provided, single submitter. Criteria: ACMG Guidelines, 2015. Collection method: clinical testing. Allele origin: germline.
Comment: This missense variant replaces glycine with aspartic acid at codon 32 of the MSH6 protein. Computational prediction suggests that this variant may not impact protein structure and function. To our knowledge, functional studies have not been reported for this variant. This variant has not been reported in individuals affected with MSH6-related disorders in the literature. This variant has been identified in 1/233886 chromosomes in the general population by the Genome Aggregation Database (gnomAD). The available evidence is insufficient to determine the role of this variant in disease conclusively. Therefore, this variant is classified as a Variant of Uncertain Significance.

Myriad Genetics, Inc.
Classification: Likely benign for Lynch syndrome 5. Last evaluated: 2024-12-17. Review status: criteria provided, single submitter. Criteria: Myriad Autosomal Dominant, Autosomal Recessive and X-Linked Classification Criteria (2023). Collection method: clinical testing. Allele origin: unknown.
Comment: This variant is considered likely benign. This variant has been observed in trans with a known pathogenic variant in one or more individuals lacking clinical features consistent with gene-specific recessive disease.

Ambry Genetics
Classification: Uncertain significance for Hereditary cancer-predisposing syndrome. Last evaluated: 2023-03-15. Review status: criteria provided, single submitter. Criteria: Ambry Variant Classification Scheme 2023. Collection method: clinical testing. Allele origin: germline.
Comment: The p.G32D variant (also known as c.95G>A), located in coding exon 1 of the MSH6 gene, results from a G to A substitution at nucleotide position 95. The glycine at codon 32 is replaced by aspartic acid, an amino acid with similar properties. This alteration has been reported in 1/1197 individuals from Greece, Romania, and Turkey undergoing evaluation for inherited cancer predisposition (Tsaousis GN et al. BMC Cancer, 2019 Jun;19:535). This amino acid position is not well conserved in available vertebrate species. In addition, this alteration is predicted to be tolerated by in silico analysis. Since supporting evidence is limited at this time, the clinical significance of this alteration remains unclear.

GeneDx
Classification: Uncertain significance. Last evaluated: 2022-12-13. Review status: criteria provided, single submitter. Criteria: GeneDx Variant Classification Process June 2021. Collection method: clinical testing. Allele origin: germline. Affected: yes.
Comment: Not observed at significant frequency in large population cohorts (gnomAD); In silico analysis supports that this missense variant does not alter protein structure/function; Observed in individuals with breast cancer (Tung et al., 2015); This variant is associated with the following publications: (PMID: 25203624, 25186627, 31159747, 30387329)

GeneKor MSA
Classification: Uncertain significance for Hereditary cancer-predisposing syndrome. Last evaluated: 2018-08-01. Review status: criteria provided, single submitter. Criteria: ACMG Guidelines, 2015. Collection method: clinical testing. Allele origin: germline. Affected: yes.

Literature cited by the submitters: PubMed 25186627 (cited by Ambry Genetics); PubMed 31159747 (cited by Ambry Genetics).